The following is an entry in ClinVar:

ClinVar aggregate classification (germline): Benign/Likely benign. Review status: criteria provided, multiple submitters, no conflicts (2 of 4 stars). 6 submissions from 6 submitters: Benign (3); Likely benign (3). Last evaluated 2026-09-01.

Conditions:
RIN2 syndrome. Also called: MACS SYNDROME; TALL FOREHEAD, SPARSE HAIR, SKIN HYPEREXTENSIBILITY, AND SCOLIOSIS. Identifiers: Orphanet 217335, MedGen C2751321, MONDO:0013115, OMIM 613075.

Allele frequency attached by ClinVar (database versions not stated): 1000 Genomes Project 30x 0.00156; 1000 Genomes Project 0.00180; gnomAD 0.00648 and 0.00670; TOPMed 0.00650; gnomAD exomes 0.00669; ESP Exome Variant Server 0.00735; ExAC 0.01341.

Submissions (6):

CeGaT Center for Human Genetics Tuebingen
Classification: Benign. Last evaluated: 2026-09-01. Review status: criteria provided, single submitter. Criteria: CeGaT Center For Human Genetics Tuebingen Variant Classification Criteria Version 2. Collection method: clinical testing. Allele origin: germline. Affected: yes. Observed: 16 variant alleles.
Comment: RIN2: BP4, BS1, BS2

Labcorp Genetics (formerly Invitae), Labcorp
Classification: Benign. Last evaluated: 2026-02-04. Review status: criteria provided, single submitter. Criteria: Invitae Variant Classification Sherloc (09022015). Collection method: clinical testing. Allele origin: germline.

Fulgent Genetics
Classification: Likely benign for RIN2 syndrome. Last evaluated: 2021-08-09. Review status: criteria provided, single submitter. Criteria: ACMG Guidelines, 2015. Collection method: clinical testing. Allele origin: unknown.

GeneDx
Classification: Benign. Last evaluated: 2019-03-12. Review status: criteria provided, single submitter. Criteria: GeneDx Variant Classification Process June 2021. Collection method: clinical testing. Allele origin: germline. Affected: yes.

Genetic Services Laboratory, University of Chicago
Classification: Likely benign. Last evaluated: 2015-06-24. Review status: criteria provided, single submitter. Criteria: ACMG Guidelines, 2015. Collection method: clinical testing. Allele origin: germline.

Breakthrough Genomics
Classification: Likely benign. Review status: criteria provided, single submitter. Criteria: ACMG Guidelines, 2015. Collection method: not provided. Allele origin: germline. Inheritance: Autosomal recessive inheritance. Affected: yes.

NM_018993.4(RIN2):c.84C>T (p.Ile28=)

Gene: RIN2 (Ras and Rab interactor 2; plus strand). Cytogenetic location: 20p11.23.
Variant type: single nucleotide variant.
Coding change: c.84C>T on transcript NM_018993.4 (MANE Select); coding-DNA position 84, C replaced by T.
Protein change: p.Ile28=; no amino-acid change (isoleucine 28 retained).
Molecular consequence: synonymous variant. On other transcripts: 5 prime UTR variant (1).
Genome position (GRCh38, 1-based): chr20:19,935,125, C>T. VCF-style: chr20-19935125-C-T. GRCh37 (hg19) VCF-style: chr20-19915769-C-T.
Other names: c.231C>T, p.Ile77= (NM_001242581.2); c.-462C>T (NM_001378238.1).
Identifiers: ClinVar variation 212055 (VCV000212055.40), dbSNP rs181853315, ClinGen allele CA206012.
Genomic context (GRCh38, chr20:19,935,125, plus strand): 5'-TTCCTGACGTCATACTATTTTTGTCTTTGAATAGCTCATTGACACAATTGCCTCGGAGAT[C>T]GGAGAACTGAAACAGGAGATGGTGCGGACAGATGTCAACCTGGAAAATGGCCTGGAACCC-3'
Protein context (NP_061866.1, residues 18-38): FKLIDTIASE[Ile28=]GELKQEMVRT